The following is an entry in ClinVar:

ClinVar aggregate classification (germline): Uncertain significance. Review status: criteria provided, single submitter (1 of 4 stars). 2 submissions from 2 submitters: Uncertain significance (1). 1 of the submissions does not count toward it. Last evaluated 2016-01-05.

Conditions:
Glucocorticoid deficiency with achalasia (AAAS). Also called: Achalasia-Addisonianism-Alacrima (Triple-A) Syndrome; AAA syndrome; Allgrove syndrome; Achalasia-addisonianism-alacrimia syndrome; Triple-A syndrome; Alacrima-achalasia-addisonianism. Identifiers: Orphanet 869, MedGen C0271742, MONDO:0009279, OMIM 231550.

Allele frequency attached by ClinVar (database versions not stated): gnomAD exomes below 0.00001; TOPMed below 0.00001; ExAC 0.00001.
gnomAD v4.1: 1 of 1,614,150 alleles (0.000062%); highest among the groups gnomAD compares: Admixed American, 0.0017%; no homozygotes.

Submissions (2):

GeneDx
Classification: Uncertain significance. Last evaluated: 2016-01-05. Review status: criteria provided, single submitter. Criteria: GeneDx Variant Classification (06012015). Collection method: clinical testing. Allele origin: germline. Affected: yes.
Comment: A I353T variant that is likely pathogenic was identified in the AAAS gene. It has not been published as a pathogenic variant, nor has it been reported as a benign polymorphism to our knowledge. It was not observed in approximately 6,500 individuals of European and African American ancestry in the NHLBI Exome Sequencing Project, indicating it is not a common benign variant in these populations. The I353T variant is a non-conservative amino acid substitution, which is likely to impact secondary protein structure as these residues differ in polarity and size. This substitution occurs at a position that is conserved across species, and in silico analysis predicts this variant is probably damaging to the protein structure/function. A missense variant in a nearby residue (L344Q) has been previously reported in association with Triple-A syndrome (Dixit et al., 2011), supporting the functional importance of this region of the protein. Therefore, this I353T variant is a strong candidate for a pathogenic variant, however the possibility that it is a benign variant cannot be excluded.

Genetics Unit, Juan Ramón Jiménez Hospital
Classification: Likely pathogenic for Glucocorticoid deficiency with achalasia. Last evaluated: 2020-05-18. Review status: no assertion criteria provided. Collection method: clinical testing. Allele origin: germline. Inheritance: Autosomal recessive inheritance. Affected: yes. Not counted in ClinVar's aggregate classification.
Comment: One of them has neurological manifestations (pes cavus foot, hyperreflexia, bilateral ptosis, optic atrophy, tetraparesis with predominant involvement of distal muscles, dysphagia and axonal polyneuropathy, with sensory, autonomic and mainly motor components).

NM_015665.6(AAAS):c.1058T>C (p.Ile353Thr)

Gene: AAAS (aladin WD repeat nucleoporin; minus strand). Cytogenetic location: 12q13.13.
Variant type: single nucleotide variant.
Coding change: c.1058T>C on transcript NM_015665.6 (MANE Select); coding-DNA position 1058, T replaced by C.
Protein change: p.Ile353Thr; replaces isoleucine 353 with threonine.
Molecular consequence: missense variant.
Genome position (GRCh38, 1-based): chr12:53,308,754, A>G on the plus strand (T>C on the coding strand, the complement: AAAS is on the minus strand). VCF-style: chr12-53308754-A-G. GRCh37 (hg19) VCF-style: chr12-53702538-A-G.
Other names: c.959T>C, p.Ile320Thr (NM_001173466.2); short protein forms I353T, I320T.
Identifiers: ClinVar variation 264991 (VCV000264991.4), dbSNP rs765757844, ClinGen allele CA6599005.